The following is an entry in ClinVar:

ClinVar aggregate classification (germline): Conflicting classifications of pathogenicity. Review status: criteria provided, conflicting classifications (1 of 4 stars). 5 submissions from 5 submitters: Uncertain significance (4); Likely benign (1). Last evaluated 2024-10-30.

Conditions:
Autosomal recessive ataxia, Beauce type. Also called: Spinocerebellar ataxia, autosomal recessive 8; SYNE1 Deficiency; SYNE1-Related Autosomal Recessive Cerebellar Ataxia; ATAXIA, RECESSIVE, OF BEAUCE. Identifiers: Orphanet 88644, MedGen C1853116, MONDO:0012549, OMIM 610743.
Emery-Dreifuss muscular dystrophy 4, autosomal dominant (EDMD4). Also called: EMERY-DREIFUSS MUSCULAR DYSTROPHY 4 WITH VARIABLE FEATURES. Identifiers: Orphanet 261, MedGen C2751807, MONDO:0013071, OMIM 612998.

Allele frequency attached by ClinVar (database versions not stated): gnomAD 0.00006; TOPMed 0.00008; ExAC 0.00009; gnomAD exomes 0.00009; ESP Exome Variant Server 0.00023.
gnomAD v4.1: 131 of 1,613,902 alleles (0.0081%); highest among the groups gnomAD compares: Middle Eastern, 0.016%; no homozygotes.

Submissions (5):

Revvity Omics, Revvity
Classification: Uncertain significance. Last evaluated: 2024-10-30. Review status: criteria provided, single submitter. Criteria: ACMG Guidelines, 2015. Collection method: clinical testing. Allele origin: germline.

Labcorp Genetics (formerly Invitae), Labcorp
Classification: Uncertain significance for Emery-Dreifuss muscular dystrophy 4, autosomal dominant; Autosomal recessive ataxia, Beauce type. Last evaluated: 2024-10-24. Review status: criteria provided, single submitter. Criteria: Invitae Variant Classification Sherloc (09022015). Collection method: clinical testing. Allele origin: germline.
Comment: This sequence change replaces arginine, which is basic and polar, with cysteine, which is neutral and slightly polar, at codon 4152 of the SYNE1 protein (p.Arg4152Cys). This variant is present in population databases (rs145738035, gnomAD 0.02%). This variant has not been reported in the literature in individuals affected with SYNE1-related conditions. ClinVar contains an entry for this variant (Variation ID: 664463). An algorithm developed to predict the effect of missense changes on protein structure and function outputs the following: PolyPhen-2: "Benign". The cysteine amino acid residue is found in multiple mammalian species, which suggests that this missense change does not adversely affect protein function. In summary, the available evidence is currently insufficient to determine the role of this variant in disease. Therefore, it has been classified as a Variant of Uncertain Significance.

Baylor Genetics
Classification: Uncertain significance for Autosomal recessive ataxia, Beauce type. Last evaluated: 2024-03-25. Review status: criteria provided, single submitter. Criteria: ACMG Guidelines, 2015. Collection method: clinical testing. Allele origin: unknown.

Athena Diagnostics
Classification: Uncertain significance. Last evaluated: 2024-01-12. Review status: criteria provided, single submitter. Criteria: Athena Diagnostics Criteria. Collection method: clinical testing. Allele origin: unknown.
Comment: Available data are insufficient to determine the clinical significance of the variant at this time. The frequency of this variant in the general population is uninformative in assessment of its pathogenicity. Computational tools predict that this variant is not damaging.

CeGaT Center for Human Genetics Tuebingen
Classification: Likely benign. Last evaluated: 2022-11-01. Review status: criteria provided, single submitter. Criteria: CeGaT Center For Human Genetics Tuebingen Variant Classification Criteria Version 2. Collection method: clinical testing. Allele origin: germline. Affected: yes. Observed: 1 variant allele.
Comment: SYNE1: BP4

NM_182961.4(SYNE1):c.12667C>T (p.Arg4223Cys)

Gene: SYNE1 (spectrin repeat containing nuclear envelope protein 1; minus strand). Cytogenetic location: 6q25.2.
Variant type: single nucleotide variant.
Coding change: c.12667C>T on transcript NM_182961.4 (MANE Select); coding-DNA position 12667, C replaced by T.
Protein change: p.Arg4223Cys; replaces arginine 4223 with cysteine.
Molecular consequence: missense variant.
Genome position (GRCh38, 1-based): chr6:152,334,135, G>A on the plus strand (C>T on the coding strand, the complement: SYNE1 is on the minus strand). VCF-style: chr6-152334135-G-A. GRCh37 (hg19) VCF-style: chr6-152655270-G-A.
Other names: c.12454C>T, p.Arg4152Cys (NM_033071.5); c.12667C>T (NM_182961.2); short protein forms R4152C, R4223C.
Identifiers: ClinVar variation 664463 (VCV000664463.32), dbSNP rs145738035, ClinGen allele CA4056339.